The following is an entry in ClinVar:

ClinVar aggregate classification (germline): Pathogenic. Review status: criteria provided, multiple submitters, no conflicts (2 of 4 stars). 2 submissions from 2 submitters: Pathogenic (2). Last evaluated 2025-06-19.

Conditions:
Deficiency of beta-ureidopropionase (UPB1D). Also called: Beta-ureidopropionase deficiency. Identifiers: Orphanet 65287, MedGen C1291512, MONDO:0013164, OMIM 613161.

Allele frequency attached by ClinVar (database versions not stated): gnomAD 0.00002 and 0.00003; gnomAD exomes 0.00002 and 0.00012; TOPMed 0.00005; ESP Exome Variant Server 0.00015.
gnomAD v4.1: 172 of 1,614,030 alleles (0.011%); highest among the groups gnomAD compares: Non-Finnish European, 0.014%; no homozygotes.

Submissions (2):

Women's Health and Genetics/Laboratory Corporation of America, LabCorp
Classification: Pathogenic for Deficiency of beta-ureidopropionase. Last evaluated: 2025-06-19. Review status: criteria provided, single submitter. Criteria: LabCorp Variant Classification Summary - May 2015. Collection method: clinical testing. Allele origin: germline.
Comment: Variant summary: UPB1 c.352C>T (p.Gln118X) results in a premature termination codon, predicted to cause a truncation of the encoded protein or absence of the protein due to nonsense mediated decay, which are commonly known mechanisms for disease. The variant allele was found at a frequency of 1.6e-05 in 251494 control chromosomes. To our knowledge, no occurrence of c.352C>T in individuals affected with Deficiency Of Beta-Ureidopropionase and no experimental evidence demonstrating its impact on protein function have been reported. ClinVar contains an entry for this variant (Variation ID: 1071875). Based on the evidence outlined above, the variant was classified as pathogenic.

Labcorp Genetics (formerly Invitae), Labcorp
Classification: Pathogenic. Last evaluated: 2022-07-30. Review status: criteria provided, single submitter. Criteria: Invitae Variant Classification Sherloc (09022015). Collection method: clinical testing. Allele origin: germline.
Comment: This variant is present in population databases (rs140157113, gnomAD 0.004%). This sequence change creates a premature translational stop signal (p.Gln118*) in the UPB1 gene. It is expected to result in an absent or disrupted protein product. Loss-of-function variants in UPB1 are known to be pathogenic (PMID: 15385443, 22525402). This variant has not been reported in the literature in individuals affected with UPB1-related conditions. For these reasons, this variant has been classified as Pathogenic. Algorithms developed to predict the effect of sequence changes on RNA splicing suggest that this variant may disrupt the consensus splice site. ClinVar contains an entry for this variant (Variation ID: 1071875).

Literature cited by the submitters: PubMed 15385443 (cited by Labcorp Genetics (formerly Invitae), Labcorp); PubMed 22525402 (cited by Labcorp Genetics (formerly Invitae), Labcorp).

NM_016327.3(UPB1):c.352C>T (p.Gln118Ter)

Gene: UPB1 (beta-ureidopropionase 1; plus strand). Cytogenetic location: 22q11.23.
Variant type: single nucleotide variant.
Coding change: c.352C>T on transcript NM_016327.3 (MANE Select); coding-DNA position 352, C replaced by T.
Protein change: p.Gln118Ter; replaces glutamine 118 with a stop codon.
Molecular consequence: nonsense.
Genome position (GRCh38, 1-based): chr22:24,502,201, C>T. VCF-style: chr22-24502201-C-T. GRCh37 (hg19) VCF-style: chr22-24898169-C-T.
Other names: short protein forms Q118*.
Identifiers: ClinVar variation 1071875 (VCV001071875.9), dbSNP rs140157113, ClinGen allele CA322668510.